The following is an entry in ClinVar:

NM_015015.3(KDM4B):c.2461G>A (p.Ala821Thr)

Gene: KDM4B (lysine demethylase 4B; plus strand). Cytogenetic location: 19p13.3.
Variant type: single nucleotide variant.
Coding change: c.2461G>A on transcript NM_015015.3 (MANE Select); coding-DNA position 2461, G replaced by A.
Protein change: p.Ala821Thr; replaces alanine 821 with threonine.
Molecular consequence: missense variant.
Genome position (GRCh38, 1-based): chr19:5,137,981, G>A. VCF-style: chr19-5137981-G-A. GRCh37 (hg19) VCF-style: chr19-5137992-G-A.
Other names: c.2563G>A, p.Ala855Thr (NM_001411148.1); short protein forms A821T, A855T.
Identifiers: ClinVar variation 4689928 (VCV004689928.1).

ClinVar aggregate classification (germline): Uncertain significance (1 of 4 stars; one submission).

Submission:

GeneDx
Classification: Uncertain significance. Last evaluated: 2025-07-30. Review status: criteria provided, single submitter. Criteria: GeneDx Variant Classification Process June 2021. Collection method: clinical testing. Allele origin: germline. Affected: yes.
Comment: Not observed at significant frequency in large population cohorts (gnomAD); In silico analysis supports that this missense variant has a deleterious effect on protein structure/function; Has not been previously published as pathogenic or benign to our knowledge